The following is an entry in ClinVar:

NM_001388419.1(KALRN):c.3804C>T (p.Asp1268=)

Gene: KALRN (kalirin RhoGEF kinase; plus strand). Cytogenetic location: 3q21.2.
Variant type: single nucleotide variant.
Coding change: c.3804C>T on transcript NM_001388419.1 (MANE Select); coding-DNA position 3804, C replaced by T.
Protein change: p.Asp1268=; no amino-acid change (aspartic acid 1268 retained).
Molecular consequence: synonymous variant. On other transcripts: non-coding transcript variant (2).
Genome position (GRCh38, 1-based): chr3:124,456,678, C>T. VCF-style: chr3-124456678-C-T. GRCh37 (hg19) VCF-style: chr3-124175525-C-T.
Other names: c.3798C>T, p.Asp1266= (NM_001024660.5, NM_001322988.2, NM_003947.6); c.3771C>T, p.Asp1257= (NM_001322989.2); c.3759C>T, p.Asp1253= (NM_001322990.2); c.3732C>T, p.Asp1244= (NM_001322991.2); c.3648C>T, p.Asp1216= (NM_001322992.2); c.1875C>T, p.Asp625= (NM_001388412.1, NM_001388413.1); c.1848C>T, p.Asp616= (NM_001388414.1); c.1836C>T, p.Asp612= (NM_001388415.1); and 3 more.
Identifiers: ClinVar variation 3052557 (VCV003052557.2), dbSNP rs770766778, ClinGen allele CA2579860.

ClinVar aggregate classification (germline): Likely benign (0 of 4 stars; one submission).

Conditions:
KALRN-related disorder. Also called: KALRN-related condition.

Allele frequency attached by ClinVar (database versions not stated): ExAC 0.00002; gnomAD 0.00002.
gnomAD v4.1: 39 of 1,613,196 alleles (0.0024%); highest among the groups gnomAD compares: East Asian, 0.069%; no homozygotes.

Submission:

PreventionGenetics, part of Exact Sciences
Classification: Likely benign for KALRN-related condition. Last evaluated: 2019-08-27. Review status: no assertion criteria provided. Collection method: clinical testing. Allele origin: germline.
Comment: This variant is classified as likely benign based on ACMG/AMP sequence variant interpretation guidelines (Richards et al. 2015 PMID: 25741868, with internal and published modifications).